The following is an entry in ClinVar:

NM_015656.2(KIF26A):c.3688C>T (p.Gln1230Ter)

Gene: KIF26A (kinesin family member 26A; plus strand). Cytogenetic location: 14q32.33.
Variant type: single nucleotide variant.
Coding change: c.3688C>T on transcript NM_015656.2 (MANE Select); coding-DNA position 3688, C replaced by T.
Protein change: p.Gln1230Ter; replaces glutamine 1230 with a stop codon.
Molecular consequence: nonsense.
Genome position (GRCh38, 1-based): chr14:104,176,476, C>T. VCF-style: chr14-104176476-C-T. GRCh37 (hg19) VCF-style: chr14-104642813-C-T.
Other names: short protein forms Q1230*.
Identifiers: ClinVar variation 4849399 (VCV004849399.1).

ClinVar aggregate classification (germline): Likely pathogenic (1 of 4 stars; one submission).

Conditions:
Cortical dysplasia, complex, with other brain malformations 11 (CDCBM11). Identifiers: MedGen C5774270, MONDO:0859332, OMIM 620156.

Submission:

First Genomix Gene Laboratory, Genetic Diagnostics Department
Classification: Likely pathogenic for Cortical dysplasia, complex, with other brain malformations 11. Last evaluated: 2025-06-19. Review status: criteria provided, single submitter. Criteria: ACMG Guidelines, 2015. Collection method: clinical testing. Allele origin: germline. Inheritance: Autosomal recessive inheritance. Affected: no. Observed: 1 variant allele.